The following is an entry in ClinVar:

NM_005629.4(SLC6A8):c.1416G>A (p.Leu472=)

Gene: SLC6A8 (solute carrier family 6 member 8; plus strand). Cytogenetic location: Xq28.
Variant type: single nucleotide variant.
Coding change: c.1416G>A on transcript NM_005629.4 (MANE Select); coding-DNA position 1416, G replaced by A.
Protein change: p.Leu472=; no amino-acid change (leucine 472 retained).
Molecular consequence: synonymous variant.
Genome position (GRCh38, 1-based): chrX:153,694,367, G>A. VCF-style: chrX-153694367-G-A. GRCh37 (hg19) VCF-style: chrX-152959822-G-A.
Other names: c.1386G>A, p.Leu462= (NM_001142805.2); c.1071G>A, p.Leu357= (NM_001142806.1).
Identifiers: ClinVar variation 514080 (VCV000514080.5), dbSNP rs1557045478, ClinGen allele CA519344984.

ClinVar aggregate classification (germline): Likely benign. Review status: criteria provided, multiple submitters, no conflicts (2 of 4 stars). 2 submissions from 2 submitters: Likely benign (2). Last evaluated 2021-12-11.

Conditions:
Creatine transporter deficiency (CCDS1). Also called: Creatine Transporter (CRTR) Deficiency; Mental retardation , X-linked with seizures, short stature and midface hypoplasia; Mental retardation , X-linked, with creatine transport deficiency; X-linked creatine transporter deficiency; X-linked creatine deficiency syndrome; SLC6A8-Related Creatine Transporter Deficiency. Identifiers: Orphanet 52503, MedGen C1845862, MONDO:0010305, OMIM 300352.

Submissions (2):

Labcorp Genetics (formerly Invitae), Labcorp
Classification: Likely benign for Creatine transporter deficiency. Last evaluated: 2021-12-11. Review status: criteria provided, single submitter. Criteria: Invitae Variant Classification Sherloc (09022015). Collection method: clinical testing. Allele origin: germline.

GeneDx
Classification: Likely benign. Last evaluated: 2017-12-18. Review status: criteria provided, single submitter. Criteria: GeneDx Variant Classification (06012015). Collection method: clinical testing. Allele origin: germline. Affected: yes.
Comment: This variant is considered likely benign or benign based on one or more of the following criteria: it is a conservative change, it occurs at a poorly conserved position in the protein, it is predicted to be benign by multiple in silico algorithms, and/or has population frequency not consistent with disease.